The following is an entry in ClinVar:

ClinVar aggregate classification (germline): Uncertain significance. Review status: criteria provided, multiple submitters, no conflicts (2 of 4 stars). 2 submissions from 2 submitters: Uncertain significance (2). Last evaluated 2022-12-01.

Submissions (2):

GeneDx
Classification: Uncertain significance. Last evaluated: 2022-12-01. Review status: criteria provided, single submitter. Criteria: GeneDx Variant Classification Process June 2021. Collection method: clinical testing. Allele origin: germline. Affected: yes.
Comment: Not observed at significant frequency in large population cohorts (gnomAD); In silico analysis supports that this missense variant has a deleterious effect on protein structure/function; Has not been previously published as pathogenic or benign to our knowledge

Labcorp Genetics (formerly Invitae), Labcorp
Classification: Uncertain significance. Last evaluated: 2022-03-31. Review status: criteria provided, single submitter. Criteria: Invitae Variant Classification Sherloc (09022015). Collection method: clinical testing. Allele origin: germline.
Comment: This sequence change replaces alanine, which is neutral and non-polar, with proline, which is neutral and non-polar, at codon 172 of the CASQ1 protein (p.Ala172Pro). This variant is not present in population databases (gnomAD no frequency). This variant has not been reported in the literature in individuals affected with CASQ1-related conditions. Algorithms developed to predict the effect of missense changes on protein structure and function are either unavailable or do not agree on the potential impact of this missense change (SIFT: "Tolerated"; PolyPhen-2: "Probably Damaging"; Align-GVGD: "Class C0"). In summary, the available evidence is currently insufficient to determine the role of this variant in disease. Therefore, it has been classified as a Variant of Uncertain Significance.

NM_001231.5(CASQ1):c.514G>C (p.Ala172Pro)

Gene: CASQ1 (calsequestrin 1; plus strand). Cytogenetic location: 1q23.2.
Variant type: single nucleotide variant.
Coding change: c.514G>C on transcript NM_001231.5 (MANE Select); coding-DNA position 514, G replaced by C.
Protein change: p.Ala172Pro; replaces alanine 172 with proline.
Molecular consequence: missense variant.
Genome position (GRCh38, 1-based): chr1:160,195,060, G>C. VCF-style: chr1-160195060-G-C. GRCh37 (hg19) VCF-style: chr1-160164850-G-C.
Other names: c.514G>C (NM_001231.4); short protein forms A172P.
Identifiers: ClinVar variation 2107739 (VCV002107739.5), dbSNP rs2525055291, ClinGen allele CA343256447.
Genomic context (GRCh38, chr1:160,195,060, plus strand): 5'-CTCCTCTTTCAGGTCCTAGAGGACCCTGTGGAATTGATTGAAGGTGAACGAGAGCTGCAG[G>C]CGTTTGAGAATATTGAGGATGAGATCAAACTCATTGGCTACTTCAAGAGCAAAGACTCAG-3'
Protein context (NP_001222.3, residues 162-182): ELIEGERELQ[Ala172Pro]FENIEDEIKL